The following is an entry in ClinVar:

NM_177402.5(SYT2):c.900G>A (p.Met300Ile)

Gene: SYT2 (synaptotagmin 2; minus strand). Cytogenetic location: 1q32.1.
Variant type: single nucleotide variant.
Coding change: c.900G>A on transcript NM_177402.5 (MANE Select); coding-DNA position 900, G replaced by A.
Protein change: p.Met300Ile; replaces methionine 300 with isoleucine.
Molecular consequence: missense variant.
Genome position (GRCh38, 1-based): chr1:202,600,376, C>T on the plus strand (G>A on the coding strand, the complement: SYT2 is on the minus strand). VCF-style: chr1-202600376-C-T. GRCh37 (hg19) VCF-style: chr1-202569504-C-T.
Other names: c.900G>A (NM_177402.4); c.900G>A, p.Met300Ile (NM_001136504.1); short protein forms M300I.
Identifiers: ClinVar variation 2827348 (VCV002827348.4), dbSNP rs2526957499, ClinGen allele CA344256763.

ClinVar aggregate classification (germline): Uncertain significance. Review status: criteria provided, multiple submitters, no conflicts (2 of 4 stars). 2 submissions from 2 submitters: Uncertain significance (2). Last evaluated 2024-01-01.

Submissions (2):

Labcorp Genetics (formerly Invitae), Labcorp
Classification: Uncertain significance. Last evaluated: 2024-01-01. Review status: criteria provided, single submitter. Criteria: Invitae Variant Classification Sherloc (09022015). Collection method: clinical testing. Allele origin: germline.
Comment: This sequence change replaces methionine, which is neutral and non-polar, with isoleucine, which is neutral and non-polar, at codon 300 of the SYT2 protein (p.Met300Ile). This variant is not present in population databases (gnomAD no frequency). This variant has not been reported in the literature in individuals affected with SYT2-related conditions. Advanced modeling of protein sequence and biophysical properties (such as structural, functional, and spatial information, amino acid conservation, physicochemical variation, residue mobility, and thermodynamic stability) performed at Invitae indicates that this missense variant is expected to disrupt SYT2 protein function with a positive predictive value of 80%. In summary, the available evidence is currently insufficient to determine the role of this variant in disease. Therefore, it has been classified as a Variant of Uncertain Significance.

GeneDx
Classification: Uncertain significance. Last evaluated: 2023-11-20. Review status: criteria provided, single submitter. Criteria: GeneDx Variant Classification Process June 2021. Collection method: clinical testing. Allele origin: germline. Affected: yes.
Comment: Not observed at significant frequency in large population cohorts (gnomAD); In silico analysis supports that this missense variant has a deleterious effect on protein structure/function; Has not been previously published as pathogenic or benign to our knowledge